The following is an entry in ClinVar:

NM_000088.4(COL1A1):c.2056G>A (p.Gly686Ser)

Gene: COL1A1 (collagen type I alpha 1 chain; minus strand). Cytogenetic location: 17q21.33.
Variant type: single nucleotide variant.
Coding change: c.2056G>A on transcript NM_000088.4 (MANE Select); coding-DNA position 2056, G replaced by A.
Protein change: p.Gly686Ser; replaces glycine 686 with serine.
Molecular consequence: missense variant.
Genome position (GRCh38, 1-based): chr17:50,191,859, C>T on the plus strand (G>A on the coding strand, the complement: COL1A1 is on the minus strand). VCF-style: chr17-50191859-C-T. GRCh37 (hg19) VCF-style: chr17-48269220-C-T.
Other names: short protein forms G686S.
Identifiers: ClinVar variation 1338758 (VCV001338758.4), dbSNP rs1404470949, ClinGen allele CA400211933.

ClinVar aggregate classification (germline): Likely pathogenic. Review status: criteria provided, single submitter (1 of 4 stars). 2 submissions from 2 submitters: Likely pathogenic (1). 1 of the submissions does not count toward it. Last evaluated 2025-08-07.

Conditions:
Osteogenesis imperfecta, perinatal lethal (OI2). Also called: OSTEOGENESIS IMPERFECTA, TYPE II; Osteogenesis imperfecta, dominant perinatal lethal; OI, TYPE II; OSTEOGENESIS IMPERFECTA CONGENITA; VROLIK TYPE OF OSTEOGENESIS IMPERFECTA; Osteogenesis imperfecta type 2. Identifiers: Orphanet 216804, MedGen C0268358, MONDO:0008147, OMIM 166210.

Submissions (2):

Dasa
Classification: Likely pathogenic. Last evaluated: 2025-08-07. Review status: criteria provided, single submitter. Criteria: DASA Assertion Criteria. Collection method: clinical testing. Allele origin: germline.
Comment: NM_000088.4(COL1A1):c.2056G>A (p.Gly686Ser) is a missense variant that results in the substitution of glycine with serine. The affected residue or protein region has prior evidence supporting clinical relevance. This variant is absent from population databases. Computational evidence supports a deleterious effect. Based on the currently available evidence, this variant is classified as likely pathogenic.

Institute of Medical Genetics and Genomics, Sir Ganga Ram Hospital
Classification: Likely pathogenic for Osteogenesis imperfecta, perinatal lethal. Last evaluated: 2022-01-30. Review status: no assertion criteria provided. Collection method: clinical testing. Allele origin: de novo. Inheritance: Autosomal dominant inheritance. Affected: yes. Observed: 1 heterozygote. Not counted in ClinVar's aggregate classification.
Comment: The novel heterozygous mis-sense variant c.2056G>A (p.G686S) has not been observed in gnomAD and 1000g. In-silico bioinformatic software predict this variant by mutation taster as Disease causing and SIFT & PROVEAN as Damaging. Osteogenesis Imperfecta type II is an autosomal dominant disorder. Based on the phenotypic observation, we classify this variant as likely pathogenic.